The following is an entry in ClinVar:

NM_001393504.1(MAST3):c.422G>A (p.Arg141His)

Genes: MAST3 (microtubule associated serine/threonine kinase 3; plus strand), LOC126862876 (BRD4-independent group 4 enhancer GRCh37_chr19:18232970-18234169; plus strand). Cytogenetic location: 19p13.11.
Variant type: single nucleotide variant.
Coding change: c.422G>A on transcript NM_001393504.1 (MANE Select); coding-DNA position 422, G replaced by A.
Protein change: p.Arg141His; replaces arginine 141 with histidine.
Molecular consequence: missense variant.
Genome position (GRCh38, 1-based): chr19:18,123,239, G>A. VCF-style: chr19-18123239-G-A. GRCh37 (hg19) VCF-style: chr19-18234049-G-A.
Other names: c.446G>A, p.Arg149His (NM_001393501.1); c.425G>A, p.Arg142His (NM_001393502.1); c.422G>A, p.Arg141His (NM_001393503.1); c.419G>A, p.Arg140His (NM_001393505.1); c.374G>A, p.Arg125His (NM_001393506.1, NM_001393513.1); c.401G>A, p.Arg134His (NM_001393507.1); c.356G>A, p.Arg119His (NM_001393508.1, NM_001393516.1); c.353G>A, p.Arg118His (NM_001393509.1, NM_001393510.1, NM_001393512.1 and 2 more transcripts); and 4 more; short protein forms R103H, R111H, R112H, R117H, R118H, R119H, R125H, R134H.
Identifiers: ClinVar variation 4056605 (VCV004056605.1).

ClinVar aggregate classification (germline): Uncertain significance (1 of 4 stars; one submission).

Conditions:
Developmental and epileptic encephalopathy 108 (DEE108). Identifiers: MedGen C5774253, MONDO:0859314, OMIM 620115.

Submission:

Laboratorio de Genetica e Diagnostico Molecular, Hospital Israelita Albert Einstein
Classification: Uncertain significance for Developmental and epileptic encephalopathy 108. Last evaluated: 2025-04-11. Review status: criteria provided, single submitter. Criteria: ACMG Guidelines, 2015. Collection method: clinical testing. Allele origin: germline. Affected: yes.
Comment: ACMG classification criteria: PM2 supporting, PP2 supporting, BP4 supporting